The following is an entry in ClinVar:

NM_000455.5(STK11):c.328G>A (p.Val110Ile)

Gene: STK11 (serine/threonine kinase 11; plus strand). Cytogenetic location: 19p13.3.
Variant type: single nucleotide variant.
Coding change: c.328G>A on transcript NM_000455.5 (MANE Select); coding-DNA position 328, G replaced by A.
Protein change: p.Val110Ile; replaces valine 110 with isoleucine.
Molecular consequence: missense variant. On other transcripts: non-coding transcript variant (1).
Genome position (GRCh38, 1-based): chr19:1,218,454, G>A. VCF-style: chr19-1218454-G-A. GRCh37 (hg19) VCF-style: chr19-1218453-G-A.
Other names: c.328G>A, p.Val110Ile (NM_001407255.1); short protein forms V110I.
Identifiers: ClinVar variation 3231747 (VCV003231747.2), dbSNP rs2145420672, ClinGen allele CA402947737.

ClinVar aggregate classification (germline): Uncertain significance. Review status: criteria provided, multiple submitters, no conflicts (2 of 4 stars). 2 submissions from 2 submitters: Uncertain significance (2). Last evaluated 2025-09-07.

Conditions:
Hereditary cancer-predisposing syndrome. Also called: Hereditary Cancer Syndrome; Tumor predisposition; Neoplastic Syndromes, Hereditary; Hereditary neoplastic syndrome. Identifiers: Orphanet 140162, MedGen C0027672, MeSH D009386, MONDO:0015356.
Peutz-Jeghers syndrome (PJS). Also called: POLYPOSIS, HAMARTOMATOUS INTESTINAL; POLYPS-AND-SPOTS SYNDROME; Peutz-Jeghers polyposis; Periorificial lentiginosis syndrome. Identifiers: Orphanet 2869, MedGen C0031269, MeSH D010580, MONDO:0008280, OMIM 175200.

Allele frequency attached by ClinVar (database versions not stated): gnomAD exomes below 0.00001.

Submissions (2):

Labcorp Genetics (formerly Invitae), Labcorp
Classification: Uncertain significance for Peutz-Jeghers syndrome. Last evaluated: 2025-09-07. Review status: criteria provided, single submitter. Criteria: Invitae Variant Classification Sherloc (09022015). Collection method: clinical testing. Allele origin: germline.
Comment: This sequence change replaces valine, which is neutral and non-polar, with isoleucine, which is neutral and non-polar, at codon 110 of the STK11 protein (p.Val110Ile). This variant is not present in population databases (gnomAD no frequency). This variant has not been reported in the literature in individuals affected with STK11-related conditions. ClinVar contains an entry for this variant (Variation ID: 3231747). Invitae Evidence Modeling of protein sequence and biophysical properties (such as structural, functional, and spatial information, amino acid conservation, physicochemical variation, residue mobility, and thermodynamic stability) has been performed for this missense variant. However, the output from this modeling did not meet the statistical confidence thresholds required to predict the impact of this variant on STK11 protein function. In summary, the available evidence is currently insufficient to determine the role of this variant in disease. Therefore, it has been classified as a Variant of Uncertain Significance.

Ambry Genetics
Classification: Uncertain significance for Hereditary cancer-predisposing syndrome. Last evaluated: 2023-09-21. Review status: criteria provided, single submitter. Criteria: Ambry Variant Classification Scheme 2023. Collection method: clinical testing. Allele origin: germline.
Comment: The p.V110I variant (also known as c.328G>A), located in coding exon 2 of the STK11 gene, results from a G to A substitution at nucleotide position 328. The valine at codon 110 is replaced by isoleucine, an amino acid with highly similar properties. This amino acid position is conserved. In addition, the in silico prediction for this alteration is inconclusive. Since supporting evidence is limited at this time, the clinical significance of this alteration remains unclear.